The following is an entry in ClinVar:

ClinVar aggregate classification (germline): Uncertain significance (1 of 4 stars; one submission).

Conditions:
Mitochondrial hypertrophic cardiomyopathy with lactic acidosis due to MTO1 deficiency. Also called: CARDIOMYOPATHY, INFANTILE HYPERTROPHIC MITOCHONDRIAL, AND LACTIC ACIDOSIS; Combined oxidative phosphorylation deficiency 10. Identifiers: Orphanet 314637, MedGen C4749921, MONDO:0013865, OMIM 614702.

Allele frequency attached by ClinVar (database versions not stated): TOPMed below 0.00001; gnomAD 0.00001.
gnomAD v4.1: 1 of 1,613,992 alleles (0.000062%); highest among the groups gnomAD compares: African/African-American, 0.0013%; no homozygotes.

Submission:

Labcorp Genetics (formerly Invitae), Labcorp
Classification: Uncertain significance for Mitochondrial hypertrophic cardiomyopathy with lactic acidosis due to MTO1 deficiency. Last evaluated: 2022-02-21. Review status: criteria provided, single submitter. Criteria: Invitae Variant Classification Sherloc (09022015). Collection method: clinical testing. Allele origin: germline.
Comment: In summary, the available evidence is currently insufficient to determine the role of this variant in disease. Therefore, it has been classified as a Variant of Uncertain Significance. Algorithms developed to predict the effect of sequence changes on RNA splicing suggest that this variant may create or strengthen a splice site. Algorithms developed to predict the effect of missense changes on protein structure and function (SIFT, PolyPhen-2, Align-GVGD) all suggest that this variant is likely to be tolerated. This variant has not been reported in the literature in individuals affected with MTO1-related conditions. This variant is not present in population databases (gnomAD no frequency). This sequence change replaces lysine, which is basic and polar, with arginine, which is basic and polar, at codon 255 of the MTO1 protein (p.Lys255Arg).

NM_012123.4(MTO1):c.764A>G (p.Lys255Arg)

Gene: MTO1 (mitochondrial tRNA translation optimization 1; plus strand). Cytogenetic location: 6q13.
Variant type: single nucleotide variant.
Coding change: c.764A>G on transcript NM_012123.4 (MANE Select); coding-DNA position 764, A replaced by G.
Protein change: p.Lys255Arg; replaces lysine 255 with arginine.
Molecular consequence: missense variant.
Genome position (GRCh38, 1-based): chr6:73,473,593, A>G. VCF-style: chr6-73473593-A-G. GRCh37 (hg19) VCF-style: chr6-74183316-A-G.
Other names: c.764A>G, p.Lys255Arg (NM_001123226.2, NM_133645.3); short protein forms K255R.
Identifiers: ClinVar variation 1480229 (VCV001480229.8), dbSNP rs1279483238, ClinGen allele CA364714000.